The following is an entry in ClinVar:

NM_022168.4(IFIH1):c.623-1G>A

Gene: IFIH1 (interferon induced with helicase C domain 1; minus strand). Cytogenetic location: 2q24.2.
Variant type: single nucleotide variant.
Coding change: c.623-1G>A on transcript NM_022168.4 (MANE Select); the canonical splice acceptor site of the intron before coding-DNA position 623, G replaced by A.
Molecular consequence: splice acceptor variant.
Genome position (GRCh38, 1-based): chr2:162,306,856, C>T on the plus strand (G>A on the coding strand, the complement: IFIH1 is on the minus strand). VCF-style: chr2-162306856-C-T. GRCh37 (hg19) VCF-style: chr2-163163366-C-T.
Identifiers: ClinVar variation 2060314 (VCV002060314.4), dbSNP rs2468992322, ClinGen allele CA349008887.

ClinVar aggregate classification (germline): Uncertain significance (1 of 4 stars; one submission).

Conditions:
Singleton-Merten syndrome 1 (SGMRT1). Also called: Widened medullary cavities of bone, aortic calcification, abnormal dentition, and muscular weakness; Syndrome of widened medullary cavities of the metacarpals and phalanges, aortic calcification and abnormal dentition. Identifiers: Orphanet 85191, MedGen C4225427, MONDO:0024535, OMIM 182250.
Aicardi-Goutieres syndrome 7 (AGS7). Identifiers: Orphanet 51, MedGen C3888244, MONDO:0014367, OMIM 615846.

Submission:

Labcorp Genetics (formerly Invitae), Labcorp
Classification: Uncertain significance for Aicardi-Goutieres syndrome 7; Singleton-Merten syndrome 1. Last evaluated: 2022-05-12. Review status: criteria provided, single submitter. Criteria: Invitae Variant Classification Sherloc (09022015). Collection method: clinical testing. Allele origin: germline.
Comment: This variant has not been reported in the literature in individuals affected with IFIH1-related conditions. This variant is not present in population databases (gnomAD no frequency). This sequence change affects an acceptor splice site in intron 2 of the IFIH1 gene. It is expected to disrupt RNA splicing. Variants that disrupt the donor or acceptor splice site typically lead to a loss of protein function (PMID: 16199547), however the current clinical and genetic evidence is not sufficient to establish whether loss-of-function variants in IFIH1 cause disease. Disruption of this splice site has been observed in at least one individual who was not affected with IFIH1-related conditions (Invitae). In summary, the available evidence is currently insufficient to determine the role of this variant in disease. Therefore, it has been classified as a Variant of Uncertain Significance. Algorithms developed to predict the effect of sequence changes on RNA splicing suggest that this variant may disrupt the consensus splice site.

Literature cited by the submitters: PubMed 16199547.